The following is an entry in ClinVar:

NM_017882.3(CLN6):c.915del (p.His306fs)

Gene: CLN6 (CLN6 transmembrane ER protein; minus strand). Cytogenetic location: 15q23.
Variant type: Deletion.
Coding change: c.915del on transcript NM_017882.3 (MANE Select); coding-DNA position 915, one base deleted (T; older notation c.915delT).
Protein change: p.His306fs; shifts the reading frame from histidine 306.
Molecular consequence: frameshift variant.
Genome position (GRCh38, 1-based): chr15:68,208,161, A deleted on the plus strand (T on the coding strand, the reverse complement: CLN6 is on the minus strand); the first of 2 consecutive A bases (chr15:68,208,161-68,208,162); deleting either gives the same sequence. VCF-style (leftmost placement, unchanged base first): chr15-68208160-GA-G. GRCh37 (hg19) VCF-style: chr15-68500498-GA-G.
Other names: c.1010delT, p.His338Thrfs (NM_001411068.1); short protein forms H306fs.
Identifiers: ClinVar variation 2123051 (VCV002123051.4), dbSNP rs2505401039, ClinGen allele CA2580089998.
Genomic context (GRCh38, chr15:68,208,160, plus strand): 5'-CCTCCCACCCAGCAGAGCGCCAGAGCCTGGTGCCAGGGACTCAGTGCCGACTGCTGACGT[GA>G]AGGGTGTAGAAAGCCCAGGGCTCAGGGACGTAGATGACACCCGGGTACTTCTTCCTGAGA-3'

ClinVar aggregate classification (germline): Uncertain significance (1 of 4 stars; one submission).

Conditions:
Neuronal ceroid lipofuscinosis. Also called: Neuronal Ceroid Lipofuscinoses. Identifiers: Orphanet 216, Orphanet 79263, MedGen C0027877, MONDO:0016295. Disease mechanism: loss of function.

Submission:

Labcorp Genetics (formerly Invitae), Labcorp
Classification: Uncertain significance for Neuronal ceroid lipofuscinosis. Last evaluated: 2022-04-08. Review status: criteria provided, single submitter. Criteria: Invitae Variant Classification Sherloc (09022015). Collection method: clinical testing. Allele origin: germline.
Comment: This variant has not been reported in the literature in individuals affected with CLN6-related conditions. In summary, the available evidence is currently insufficient to determine the role of this variant in disease. Therefore, it has been classified as a Variant of Uncertain Significance. Experimental studies and prediction algorithms are not available or were not evaluated, and the functional significance of this variant is currently unknown. This variant is not present in population databases (gnomAD no frequency). This sequence change results in a frameshift in the CLN6 gene (p.His306Thrfs*44). While this is not anticipated to result in nonsense mediated decay, it is expected to disrupt the last 6 amino acid(s) of the CLN6 protein and extend the protein by 37 additional amino acid residues.